The following is an entry in ClinVar:

ClinVar aggregate classification (germline): Pathogenic (1 of 4 stars; one submission).

Conditions:
Peroxisome biogenesis disorder 9B. Also called: PEX7-Related Refsum Disease; PEROXISOME BIOGENESIS DISORDER, PEX7-RELATED, ATYPICAL; Refsum disease, adult, 2. Identifiers: Orphanet 773, MedGen C2749346, MONDO:0013945, OMIM 614879.

Submission:

Labcorp Genetics (formerly Invitae), Labcorp
Classification: Pathogenic for Peroxisome biogenesis disorder 9B. Last evaluated: 2023-09-10. Review status: criteria provided, single submitter. Criteria: Invitae Variant Classification Sherloc (09022015). Collection method: clinical testing. Allele origin: germline.
Comment: This sequence change creates a premature translational stop signal (p.Leu228Phefs*10) in the PEX7 gene. It is expected to result in an absent or disrupted protein product. Loss-of-function variants in PEX7 are known to be pathogenic (PMID: 12325024, 12522768, 20301447). For these reasons, this variant has been classified as Pathogenic. This variant has not been reported in the literature in individuals affected with PEX7-related conditions. This variant is not present in population databases (gnomAD no frequency).

Literature cited by the submitters: PubMed 12325024; PubMed 12522768; PubMed 20301447.

NM_000288.4(PEX7):c.683dup (p.Leu228fs)

Gene: PEX7 (peroxisomal biogenesis factor 7; plus strand). Cytogenetic location: 6q23.3.
Variant type: Duplication.
Coding change: c.683dup on transcript NM_000288.4 (MANE Select); coding-DNA position 683, one base duplicated (T; older notation c.683dupT).
Protein change: p.Leu228fs; shifts the reading frame from leucine 228.
Molecular consequence: frameshift variant.
Genome position (GRCh38, 1-based): chr6:136,869,939, T duplicated; the last of 2 consecutive T bases (chr6:136,869,938-136,869,939); duplicating either gives the same sequence. VCF-style (leftmost placement, unchanged base first): chr6-136869937-C-CT. GRCh37 (hg19) VCF-style: chr6-137191075-C-CT.
Other names: c.569dup, p.Leu190fs (NM_001410945.1); short protein forms L228fs, L190fs.
Identifiers: ClinVar variation 2759681 (VCV002759681.3), dbSNP rs2548095379, ClinGen allele CA2697553784.